The following is an entry in ClinVar:

NM_001170535.3(ATAD3A):c.645G>A (p.Ala215=)

Gene: ATAD3A (ATPase family AAA domain containing 3A; plus strand). Cytogenetic location: 1p36.33.
Variant type: single nucleotide variant.
Coding change: c.645G>A on transcript NM_001170535.3 (MANE Select); coding-DNA position 645, G replaced by A.
Protein change: p.Ala215=; no amino-acid change (alanine 215 retained).
Molecular consequence: synonymous variant.
Genome position (GRCh38, 1-based): chr1:1,520,271, G>A. VCF-style: chr1-1520271-G-A. GRCh37 (hg19) VCF-style: chr1-1455651-G-A.
Other names: c.789G>A, p.Ala263= (NM_018188.5); c.408G>A, p.Ala136= (NM_001170536.3).
Identifiers: ClinVar variation 4533907 (VCV004533907.6).

ClinVar aggregate classification (germline): Likely benign (1 of 4 stars; one submission).

gnomAD v4.1: 115 of 1,612,920 alleles (0.0071%); highest among the groups gnomAD compares: African/African-American, 0.13%; no homozygotes.

Submission:

CeGaT Center for Human Genetics Tuebingen
Classification: Likely benign. Last evaluated: 2025-11-01. Review status: criteria provided, single submitter. Criteria: CeGaT Center For Human Genetics Tuebingen Variant Classification Criteria Version 2. Collection method: clinical testing. Allele origin: germline. Affected: yes. Observed: 1 variant allele.
Comment: ATAD3A: BP4, BP7